The following is an entry in ClinVar:

NM_183050.4(BCKDHB):c.503G>A (p.Arg168His)

Gene: BCKDHB (branched chain keto acid dehydrogenase E1 subunit beta; plus strand). Cytogenetic location: 6q14.1.
Variant type: single nucleotide variant.
Coding change: c.503G>A on transcript NM_183050.4 (MANE Select); coding-DNA position 503, G replaced by A.
Protein change: p.Arg168His; replaces arginine 168 with histidine.
Molecular consequence: missense variant. On other transcripts: non-coding transcript variant (1).
Genome position (GRCh38, 1-based): chr6:80,168,900, G>A. VCF-style: chr6-80168900-G-A. GRCh37 (hg19) VCF-style: chr6-80878617-G-A.
Other names: c.503G>A (NM_183050.3); c.503G>A, p.Arg168His (NM_000056.5); c.293G>A, p.Arg98His (NM_001318975.1); short protein forms R168H, R98H.
Identifiers: ClinVar variation 457149 (VCV000457149.23), dbSNP rs749033513, ClinGen allele CA364657743.

ClinVar aggregate classification (germline): Pathogenic/Likely pathogenic. Review status: criteria provided, multiple submitters, no conflicts (2 of 4 stars). 9 submissions from 9 submitters: Pathogenic (6); Likely pathogenic (2). 1 of the submissions does not count toward it. Last evaluated 2024-10-23.

Conditions:
BCKDHB-related disorder. Also called: BCKDHB-related condition.
Maple syrup urine disease type 1B (MSUD1B). Also called: MSUD type IB; MSUD type 3 (formerly); MSUD due to deficiency of e1-beta subunit of branched-chain alpha-keto acid dehydrogenase complex. Identifiers: MedGen C2930990, MONDO:0023692, OMIM 620698.
Maple syrup urine disease (MSUD). Identifiers: Orphanet 511, MedGen C0024776, MeSH D008375, MONDO:0009563. Disease mechanism: loss of function.
Maple syrup urine disease type 1A (MSUD1A). Also called: MSUD type 1A. Identifiers: MedGen C1855369, MONDO:0023691, OMIM 248600.

Allele frequency attached by ClinVar (database versions not stated): TOPMed 0.00002.

Submissions (9):

Blueprint Genetics
Classification: Pathogenic for BCKDHB-related disorders. Last evaluated: 2024-10-23. Review status: criteria provided, single submitter. Criteria: ACMG Guidelines, 2015. Collection method: clinical testing. Allele origin: germline. Affected: yes. Observed: 1 variant allele.

Natera, Inc.
Classification: Pathogenic for Maple syrup urine disease type 1B. Last evaluated: 2024-02-28. Review status: criteria provided, single submitter. Criteria: Natera Variant Classification Schema (03/2026). Collection method: clinical testing. Allele origin: germline.
Comment: The c.503G>A variant in BCKDHB is a missense variant predicted to cause substitution of arginine to histidine at amino acid 168. This variant is rare in the general population with a frequency below the threshold expected for the associated phenotype(s). This variant has been observed in one or more individuals affected with the associated recessive disease, as either homozygous or compound heterozygous with a second variant (PMID: 16786533, 26232051, 28197878). Given the available evidence, this variant is classified as Pathogenic.

Labcorp Genetics (formerly Invitae), Labcorp
Classification: Pathogenic for Maple syrup urine disease. Last evaluated: 2024-02-18. Review status: criteria provided, single submitter. Criteria: Invitae Variant Classification Sherloc (09022015). Collection method: clinical testing. Allele origin: germline.
Comment: This sequence change replaces arginine, which is basic and polar, with histidine, which is basic and polar, at codon 168 of the BCKDHB protein (p.Arg168His). This variant is not present in population databases (gnomAD no frequency). This missense change has been observed in individual(s) with maple syrup urine disease (PMID: 16786533, 26232051, 28197878; Invitae). In at least one individual the data is consistent with being in trans (on the opposite chromosome) from a pathogenic variant. ClinVar contains an entry for this variant (Variation ID: 457149). Advanced modeling of protein sequence and biophysical properties (such as structural, functional, and spatial information, amino acid conservation, physicochemical variation, residue mobility, and thermodynamic stability) performed at Invitae indicates that this missense variant is not expected to disrupt BCKDHB protein function with a negative predictive value of 80%. For these reasons, this variant has been classified as Pathogenic.

Fulgent Genetics
Classification: Pathogenic for Maple syrup urine disease type 1B. Last evaluated: 2024-01-03. Review status: criteria provided, single submitter. Criteria: ACMG Guidelines, 2015. Collection method: clinical testing. Allele origin: germline.

Baylor Genetics
Classification: Pathogenic for Maple syrup urine disease type 1A. Last evaluated: 2023-09-23. Review status: criteria provided, single submitter. Criteria: ACMG Guidelines, 2015. Collection method: clinical testing. Allele origin: unknown.

Women's Health and Genetics/Laboratory Corporation of America, LabCorp
Classification: Pathogenic for Maple syrup urine disease. Last evaluated: 2023-07-25. Review status: criteria provided, single submitter. Criteria: LabCorp Variant Classification Summary - May 2015. Collection method: clinical testing. Allele origin: germline.
Comment: Variant summary: BCKDHB c.503G>A (p.Arg168His) results in a non-conservative amino acid change located in the Transketolase-like, pyrimidine-binding domain (IPR005475) of the encoded protein sequence. Five of five in-silico tools predict a damaging effect of the variant on protein function. The variant was absent in 251412 control chromosomes (gnomAD). c.503G>A has been reported in the literature in both homozygous and compound heterozygous individuals affected with Maple Syrup Urine Disease (e.g., Rodriguez-Pombo_2006, Couce_2015, Su_2017). These data indicate that the variant is likely to be associated with disease. At least one publication reports experimental evidence evaluating an impact on protein function, finding that the variant results in <1% BCKD activity in homozygous patient cells (e.g., Rodriguez-Pombo_2006). The following publications have been ascertained in the context of this evaluation (PMID: 26232051, 16786533, 28197878). Three submitters have cited clinical-significance assessments for this variant to ClinVar after 2014. All submitters classified the variant as pathogenic (n = 2) or likely pathogenic (n = 1). Additionally, another missense variant impacting the same amino acid, c.502C>T (p.R168C), has been classified as pathogenic by our lab. Based on the evidence outlined above, the variant was classified as pathogenic.

GeneDx
Classification: Likely pathogenic. Last evaluated: 2022-05-11. Review status: criteria provided, single submitter. Criteria: GeneDx Variant Classification Process June 2021. Collection method: clinical testing. Allele origin: germline.
Comment: Not observed at significant frequency in large population cohorts (gnomAD); In silico analysis supports that this missense variant has a deleterious effect on protein structure/function; This variant is associated with the following publications: (PMID: 26232051, 28197878, 16786533)

Juno Genomics, Hangzhou Juno Genomics, Inc
Classification: Likely pathogenic for Maple syrup urine disease type 1B. Review status: criteria provided, single submitter. Criteria: ACMG Guidelines, 2015. Collection method: clinical testing. Allele origin: germline.
Comment: Absent from controls (or at extremely low frequency if recessive) in Genome Aggregation Database.;Multiple lines of computational evidence support a deleterious effect on the gene or gene product.;For recessive disorders, detected in trans with a pathogenic variant.;Patient's phenotype or family history is highly specific for a disease with a single genetic etiology.

Counsyl
Classification: Likely pathogenic for Maple syrup urine disease type 1A. Last evaluated: 2019-02-13. Review status: no assertion criteria provided. Collection method: clinical testing. Allele origin: unknown. Not counted in ClinVar's aggregate classification.

Literature cited by the submitters: PubMed 16786533 (cited by 4 submitters); PubMed 26232051 (cited by 4 submitters); PubMed 28197878 (cited by 4 submitters).